The following is an entry in ClinVar:

NM_020754.4(ARHGAP31):c.1729T>C (p.Ser577Pro)

Gene: ARHGAP31 (Rho GTPase activating protein 31; plus strand). Cytogenetic location: 3q13.33.
Variant type: single nucleotide variant.
Coding change: c.1729T>C on transcript NM_020754.4 (MANE Select); coding-DNA position 1729, T replaced by C.
Protein change: p.Ser577Pro; replaces serine 577 with proline.
Molecular consequence: missense variant.
Genome position (GRCh38, 1-based): chr3:119,409,579, T>C. VCF-style: chr3-119409579-T-C. GRCh37 (hg19) VCF-style: chr3-119128426-T-C.
Other names: short protein forms S577P.
Identifiers: ClinVar variation 3033910 (VCV003033910.2), dbSNP rs966952653, ClinGen allele CA81695197.

ClinVar aggregate classification (germline): Uncertain significance (0 of 4 stars; one submission).

Conditions:
ARHGAP31-related disorder. Also called: ARHGAP31-related condition.

Allele frequency attached by ClinVar (database versions not stated): gnomAD exomes below 0.00001.
gnomAD v4.1: 2 of 1,614,068 alleles (0.00012%); highest among the groups gnomAD compares: Non-Finnish European, 0.00017%; no homozygotes.

Submission:

PreventionGenetics, part of Exact Sciences
Classification: Uncertain significance for ARHGAP31-related condition. Last evaluated: 2023-10-19. Review status: no assertion criteria provided. Collection method: clinical testing. Allele origin: germline.
Comment: The ARHGAP31 c.1729T>C variant is predicted to result in the amino acid substitution p.Ser577Pro. To our knowledge, this variant has not been reported in the literature. This variant is reported in 0.00088% of alleles in individuals of European (Non-Finnish) descent in gnomAD. At this time, the clinical significance of this variant is uncertain due to the absence of conclusive functional and genetic evidence.